The following is an entry in ClinVar:

ClinVar aggregate classification (germline): Likely pathogenic (1 of 4 stars; one submission).

Conditions:
Juvenile polyposis/hereditary hemorrhagic telangiectasia syndrome (JPHT). Also called: Juvenile Polyposis Syndrome / Hereditary Hemorrhagic Telangiectasia (JPS/HHT); JP/HHT SYNDROME; JUVENILE POLYPOSIS WITH HEREDITARY HEMORRHAGIC TELANGIECTASIA; POLYPOSIS, GENERALIZED JUVENILE, WITH PULMONARY ARTERIOVENOUS MALFORMATION; TELANGIECTASIA, HEREDITARY HEMORRHAGIC, WITH JUVENILE POLYPOSIS COLI. Identifiers: Orphanet 2929, MedGen C1832942, MONDO:0008278, OMIM 175050.

Submission:

Myriad Genetics, Inc.
Classification: Likely pathogenic for Juvenile polyposis/hereditary hemorrhagic telangiectasia syndrome. Last evaluated: 2024-02-09. Review status: criteria provided, single submitter. Criteria: Myriad Autosomal Dominant, Autosomal Recessive and X-Linked Classification Criteria (2023). Collection method: clinical testing. Allele origin: unknown.
Comment: This variant is considered likely pathogenic. This variant occurs within a consensus splice junction and is predicted to result in abnormal mRNA splicing of either an out-of-frame exon or an in-frame exon necessary for protein stability and/or normal function.

NM_005359.6(SMAD4):c.788-1G>A

Gene: SMAD4 (SMAD family member 4; plus strand). Cytogenetic location: 18q21.2.
Variant type: single nucleotide variant.
Coding change: c.788-1G>A on transcript NM_005359.6 (MANE Select); the canonical splice acceptor site of the intron before coding-DNA position 788, G replaced by A.
Molecular consequence: splice acceptor variant.
Genome position (GRCh38, 1-based): chr18:51,058,339, G>A. VCF-style: chr18-51058339-G-A. GRCh37 (hg19) VCF-style: chr18-48584709-G-A.
Other names: c.788-1G>A (NM_001407042.1, NM_001407041.1, NM_001407043.1).
Identifiers: ClinVar variation 3148322 (VCV003148322.1), dbSNP rs2144428309, ClinGen allele CA402463244.